The following is an entry in ClinVar:

NM_006031.6(PCNT):c.8965C>T (p.Leu2989Phe)

Gene: PCNT (pericentrin; plus strand). Cytogenetic location: 21q22.3.
Variant type: single nucleotide variant.
Coding change: c.8965C>T on transcript NM_006031.6 (MANE Select); coding-DNA position 8965, C replaced by T.
Protein change: p.Leu2989Phe; replaces leucine 2989 with phenylalanine.
Molecular consequence: missense variant.
Genome position (GRCh38, 1-based): chr21:46,436,117, C>T. VCF-style: chr21-46436117-C-T. GRCh37 (hg19) VCF-style: chr21-47856030-C-T.
Other names: c.8374C>T, p.Leu2792Phe (NM_001315529.2); short protein forms L2989F, L2792F.
Identifiers: ClinVar variation 4993574 (VCV004993574.1).

ClinVar aggregate classification (germline): Uncertain significance (1 of 4 stars; one submission).

Conditions:
PCNT-related disorder. Also called: PCNT-related condition.

gnomAD v4.1: 1 of 1,609,904 alleles (0.000062%); highest among the groups gnomAD compares: Non-Finnish European, 0.000085%; no homozygotes.

Submission:

PreventionGenetics, part of Exact Sciences
Classification: Uncertain significance for PCNT-related condition. Last evaluated: 2025-08-30. Review status: criteria provided, single submitter. Criteria: ACMG Guidelines, 2015. Collection method: clinical testing. Allele origin: germline.
Comment: The PCNT c.8965C>T variant is predicted to result in the amino acid substitution p.Leu2989Phe. To our knowledge, this variant has not been reported in the literature or in a large population database (gnomAD), indicating this variant is rare. At this time, the clinical significance of this variant is uncertain due to the absence of conclusive functional and genetic evidence.